The following is an entry in ClinVar:

NM_007055.4(POLR3A):c.3343G>A (p.Glu1115Lys)

Gene: POLR3A (RNA polymerase III subunit A; minus strand). Cytogenetic location: 10q22.3.
Variant type: single nucleotide variant.
Coding change: c.3343G>A on transcript NM_007055.4 (MANE Select); coding-DNA position 3343, G replaced by A.
Protein change: p.Glu1115Lys; replaces glutamic acid 1115 with lysine.
Molecular consequence: missense variant.
Genome position (GRCh38, 1-based): chr10:77,984,006, C>T on the plus strand (G>A on the coding strand, the complement: POLR3A is on the minus strand). VCF-style: chr10-77984006-C-T. GRCh37 (hg19) VCF-style: chr10-79743764-C-T.
Other names: short protein forms E1115K.
Identifiers: ClinVar variation 1393982 (VCV001393982.9), dbSNP rs770305694, ClinGen allele CA5570858.

ClinVar aggregate classification (germline): Uncertain significance. Review status: criteria provided, multiple submitters, no conflicts (2 of 4 stars). 2 submissions from 2 submitters: Uncertain significance (2). Last evaluated 2024-07-29.

Conditions:
Leukodystrophy, hypomyelinating, 7, with or without oligodontia and/or hypogonadotropic hypogonadism (HLD7). Also called: Ataxia, Delayed Dentition and Hypomyelination (ADDH); LEUKOENCEPHALOPATHY, HYPOMYELINATING, WITH ATAXIA AND DELAYED DENTITION; ATAXIA, DELAYED DENTITION, AND HYPOMYELINATION; LEUKODYSTROPHY, HYPOMYELINATING, 7, WITH OLIGODONTIA; LEUKODYSTROPHY, HYPOMYELINATING, 7, WITH OLIGODONTIA AND HYPOGONADOTROPIC HYPOGONADISM; LEUKODYSTROPHY, HYPOMYELINATING, 7, WITHOUT OLIGODONTIA OR HYPOGONADOTROPIC HYPOGONADISM. Identifiers: Orphanet 137639, Orphanet 447893, Orphanet 447896, Orphanet 77295, Orphanet 88637, MedGen CN034185, MONDO:0011897, OMIM 607694.

Allele frequency attached by ClinVar (database versions not stated): ExAC 0.00001; gnomAD exomes 0.00001; TOPMed 0.00002; gnomAD 0.00003 and 0.00004.
gnomAD v4.1: 24 of 1,604,486 alleles (0.0015%); highest among the groups gnomAD compares: African/African-American, 0.0027%; no homozygotes.

Submissions (2):

Labcorp Genetics (formerly Invitae), Labcorp
Classification: Uncertain significance. Last evaluated: 2024-07-29. Review status: criteria provided, single submitter. Criteria: Invitae Variant Classification Sherloc (09022015). Collection method: clinical testing. Allele origin: germline.
Comment: This sequence change replaces glutamic acid, which is acidic and polar, with lysine, which is basic and polar, at codon 1115 of the POLR3A protein (p.Glu1115Lys). This variant is present in population databases (rs770305694, gnomAD 0.008%). This variant has not been reported in the literature in individuals affected with POLR3A-related conditions. ClinVar contains an entry for this variant (Variation ID: 1393982). Advanced modeling of protein sequence and biophysical properties (such as structural, functional, and spatial information, amino acid conservation, physicochemical variation, residue mobility, and thermodynamic stability) performed at Invitae indicates that this missense variant is not expected to disrupt POLR3A protein function with a negative predictive value of 80%. In summary, the available evidence is currently insufficient to determine the role of this variant in disease. Therefore, it has been classified as a Variant of Uncertain Significance.

Neuberg Centre For Genomic Medicine, NCGM
Classification: Uncertain significance for Leukodystrophy, hypomyelinating, 7, with or without oligodontia and/or hypogonadotropic hypogonadism. Review status: criteria provided, single submitter. Criteria: ACMG Guidelines, 2015. Collection method: clinical testing. Allele origin: germline. Inheritance: Autosomal recessive inheritance. Affected: yes.
Comment: The observed missense c.3343G>A (p.Glu1115Lys) variant in POLR3A gene has not been reported previously as a pathogenic variant nor as a benign variant, to our knowledge. The p.Glu1115Lys variant has allele frequency gnomAD Exomes. 0.001% This variant has been submitted to the ClinVar database as Uncertain Significance. Multiple lines of computational evidence (Polyphen - Possibly damaging, SIFT - Tolerated and MutationTaster - Polymorphism) predicts conflicting evidence on protein structure and function for this variant. The reference amino acid on POLR3A gene is predicted as conserved by GERP++ and PhyloP across 100 vertebrates. The amino acid Glu at position 1115 is changed to a Lys changing protein sequence and it might alter its composition and physico-chemical properties. For these reasons, this variant has been classified as Variant of Uncertain Significance (VUS).